The following is an entry in ClinVar:

ClinVar aggregate classification (germline): Uncertain significance (1 of 4 stars; one submission).

gnomAD v4.1: 2 of 1,611,770 alleles (0.00012%); highest among the groups gnomAD compares: Non-Finnish European, 0.00017%; no homozygotes.

Submission:

Women's Health and Genetics/Laboratory Corporation of America, LabCorp
Classification: Uncertain significance. Last evaluated: 2024-12-09. Review status: criteria provided, single submitter. Criteria: LabCorp Variant Classification Summary - May 2015. Collection method: clinical testing. Allele origin: germline.
Comment: Variant summary: GLI2 c.645G>A (p.Val215Val) alters a non-conserved nucleotide located close to a canonical splice site and therefore could affect mRNA splicing, leading to a significantly altered protein sequence. Consensus agreement among computation tools predict no significant impact on normal splicing. However, these predictions have yet to be confirmed by functional studies. The variant was absent in 250194 control chromosomes (gnomAD). The available data on variant occurrences in the general population are insufficient to allow any conclusion about variant significance. To our knowledge, no occurrence of c.645G>A in individuals affected with GLI2-Related Disorders and no experimental evidence demonstrating its impact on protein function have been reported. No submitters have cited clinical-significance assessments for this variant to ClinVar. Based on the evidence outlined above, the variant was classified as uncertain significance.

NM_001374353.1(GLI2):c.645G>A (p.Val215=)

Gene: GLI2 (GLI family zinc finger 2; plus strand). Cytogenetic location: 2q14.2.
Variant type: single nucleotide variant.
Coding change: c.645G>A on transcript NM_001374353.1 (MANE Select); coding-DNA position 645, G replaced by A.
Protein change: p.Val215=; no amino-acid change (valine 215 retained).
Molecular consequence: synonymous variant.
Genome position (GRCh38, 1-based): chr2:120,968,715, G>A. VCF-style: chr2-120968715-G-A. GRCh37 (hg19) VCF-style: chr2-121726291-G-A.
Other names: c.645G>A, p.Val215= (NM_001371271.1, NM_005270.5); c.270G>A, p.Val90= (NM_001374354.1).
Identifiers: ClinVar variation 3768200 (VCV003768200.1).
Genomic context (GRCh38, chr2:120,968,715, plus strand): 5'-TGTCACCCCCTCCCCCATCCCCAGTGATGCTGACCTGTCTTGTGTTGACTATCCCACAGT[G>A]TCCCGTTTCTCCAGCCCGCGGGTGACGCCCCGCCTGAGCCGCAAGCGGGCGCTGTCCATC-3'
Protein context (NP_001361282.1, residues 205-225): HLHDYLNPVD[Val215=]SRFSSPRVTP